The following is an entry in ClinVar:

NM_002473.6(MYH9):c.1344C>T (p.Ile448=)

Gene: MYH9 (myosin heavy chain 9; minus strand). Cytogenetic location: 22q12.3.
Variant type: single nucleotide variant.
Coding change: c.1344C>T on transcript NM_002473.6 (MANE Select); coding-DNA position 1344, C replaced by T.
Protein change: p.Ile448=; no amino-acid change (isoleucine 448 retained).
Molecular consequence: synonymous variant.
Genome position (GRCh38, 1-based): chr22:36,316,553, G>A on the plus strand (C>T on the coding strand, the complement: MYH9 is on the minus strand). VCF-style: chr22-36316553-G-A. GRCh37 (hg19) VCF-style: chr22-36712598-G-A.
Identifiers: ClinVar variation 258728 (VCV000258728.19), dbSNP rs150125254, ClinGen allele CA10210303.
Genomic context (GRCh38, chr22:36,316,553, plus strand): 5'-TGGGTAATGAAGGGCAAGGCTCACATCAAAGATCTCGAAGCCGGCAATGTCCAGGATCCC[G>A]ATGAAGGAGGCGCCCTGCCTCTTGGTCTTGTCCAGAGCCTTGTTGATGCGCAGCACCAGC-3'
Protein context (NP_002464.1, residues 438-458): DKTKRQGASF[Ile448=]GILDIAGFEI

ClinVar aggregate classification (germline): Conflicting classifications of pathogenicity. Review status: criteria provided, conflicting classifications (1 of 4 stars). 7 submissions from 6 submitters: Uncertain significance (1); Benign (1); Likely benign (5). Last evaluated 2026-06-01.

Conditions:
MYH9-related disorder. Identifiers: MedGen C1854520.
Autosomal dominant nonsyndromic hearing loss 17. Also called: Autosomal dominant nonsyndromic deafness 17; Deafness, autosomal dominant 17. Identifiers: Orphanet 90635, MedGen C1863659, MONDO:0011350, OMIM 603622.

Allele frequency attached by ClinVar (database versions not stated): gnomAD 0.00001; gnomAD exomes 0.00004; TOPMed 0.00004; ExAC 0.00007; ESP Exome Variant Server 0.00008; 1000 Genomes Project 30x 0.00016; 1000 Genomes Project 0.00020.

Submissions (7):

CeGaT Center for Human Genetics Tuebingen
Classification: Likely benign. Last evaluated: 2026-06-01. Review status: criteria provided, single submitter. Criteria: CeGaT Center For Human Genetics Tuebingen Variant Classification Criteria Version 2. Collection method: clinical testing. Allele origin: germline. Affected: yes. Observed: 1 variant allele.
Comment: MYH9: BP4, BP7

Labcorp Genetics (formerly Invitae), Labcorp
Classification: Likely benign. Last evaluated: 2025-08-04. Review status: criteria provided, single submitter. Criteria: Invitae Variant Classification Sherloc (09022015). Collection method: clinical testing. Allele origin: germline.

Blueprint Genetics
Classification: Likely benign. Last evaluated: 2020-02-20. Review status: criteria provided, single submitter. Criteria: ACMG Guidelines, 2015. Collection method: clinical testing. Allele origin: germline.

GeneDx
Classification: Likely benign. Last evaluated: 2019-04-25. Review status: criteria provided, single submitter. Criteria: GeneDx Variant Classification Process June 2021. Collection method: clinical testing. Allele origin: germline. Affected: yes.

Illumina Laboratory Services, Illumina
Classification: Benign for MYH9-related disorder. Last evaluated: 2018-01-12. Review status: criteria provided, single submitter. Criteria: ICSL Variant Classification Criteria 13 December 2019. Collection method: clinical testing. Allele origin: germline.
Comment: This variant was observed in the ICSL laboratory as part of a predisposition screen in an ostensibly healthy population. It had not been previously curated by ICSL or reported in the Human Gene Mutation Database (HGMD: prior to June 1st, 2018), and was therefore a candidate for classification through an automated scoring system. Utilizing variant allele frequency, disease prevalence and penetrance estimates, and inheritance mode, an automated score was calculated to assess if this variant is too frequent to cause the disease. Based on the score and internal cut-off values, a variant classified as benign is not then subjected to further curation. The score for this variant resulted in a classification of benign for this disease.

Illumina Laboratory Services, Illumina
Classification: Uncertain significance for Autosomal dominant nonsyndromic hearing loss 17. Last evaluated: 2018-01-12. Review status: criteria provided, single submitter. Criteria: ICSL Variant Classification Criteria 13 December 2019. Collection method: clinical testing. Allele origin: germline.

PreventionGenetics, part of Exact Sciences
Classification: Likely benign. Review status: criteria provided, single submitter. Criteria: ACMG Guidelines, 2015. Collection method: clinical testing. Allele origin: germline.